The following is an entry in ClinVar:

NM_152703.5(SAMD9L):c.3579C>A (p.Asn1193Lys)

Gene: SAMD9L (sterile alpha motif domain containing 9 like; minus strand). Cytogenetic location: 7q21.2.
Variant type: single nucleotide variant.
Coding change: c.3579C>A on transcript NM_152703.5 (MANE Select); coding-DNA position 3579, C replaced by A.
Protein change: p.Asn1193Lys; replaces asparagine 1193 with lysine.
Molecular consequence: missense variant.
Genome position (GRCh38, 1-based): chr7:93,132,393, G>T on the plus strand (C>A on the coding strand, the complement: SAMD9L is on the minus strand). VCF-style: chr7-93132393-G-T. GRCh37 (hg19) VCF-style: chr7-92761706-G-T.
Other names: c.3579C>A, p.Asn1193Lys (NM_001303496.3, NM_001303497.3, NM_001303498.3 and 5 more transcripts); short protein forms N1193K.
Identifiers: ClinVar variation 3792337 (VCV003792337.1).

ClinVar aggregate classification (germline): Uncertain significance (1 of 4 stars; one submission).

Conditions:
Inborn genetic diseases. Identifiers: MedGen C0950123, MeSH D030342.

Submission:

Ambry Genetics
Classification: Uncertain significance for Inborn genetic diseases. Last evaluated: 2025-01-20. Review status: criteria provided, single submitter. Criteria: Ambry Variant Classification Scheme 2023. Collection method: clinical testing. Allele origin: germline.
Comment: The p.N1193K variant (also known as c.3579C>A), located in coding exon 1 of the SAMD9L gene, results from a C to A substitution at nucleotide position 3579. The asparagine at codon 1193 is replaced by lysine, an amino acid with similar properties. This amino acid position is conserved. In addition, this alteration is predicted to be tolerated by in silico analysis. Based on the available evidence, the clinical significance of this variant remains unclear.